The following is an entry in ClinVar:

Conditions:
Arteriohepatic dysplasia. Also called: Alagille Syndrome. Identifiers: Orphanet 52, MedGen C0085280, MeSH D016738, MONDO:0007318.

Submission:

Gilbert/Spinner Lab, Children's Hospital of Philadelphia
No classification provided (evidence only). Condition: Alagille syndrome. Review status: no classification provided. Collection method: research. Allele origin: not applicable. Functional consequence: functionally_abnormal.
ClinVar note: "not provided" was previously submitted as the classification for the variant. However, the classification appeared to be based only on an observation of functional data so it was converted to no classification on 2025-07-30.

NM_000214.3(JAG1):c.828T>G (p.Cys276Trp)

Gene: JAG1 (jagged canonical Notch ligand 1; minus strand). Cytogenetic location: 20p12.2.
Variant type: single nucleotide variant.
Coding change: c.828T>G on transcript NM_000214.3 (MANE Select); coding-DNA position 828, T replaced by G.
Protein change: p.Cys276Trp; replaces cysteine 276 with tryptophan.
Molecular consequence: missense variant.
Genome position (GRCh38, 1-based): chr20:10,652,526, A>C on the plus strand (T>G on the coding strand, the complement: JAG1 is on the minus strand). VCF-style: chr20-10652526-A-C. GRCh37 (hg19) VCF-style: chr20-10633174-A-C.
Other names: short protein forms C276W.
Identifiers: ClinVar variation 3573121 (VCV003573121.2).